The following is an entry in ClinVar:

ClinVar aggregate classification (germline): Uncertain significance (1 of 4 stars; one submission).

Conditions:
Emery-Dreifuss muscular dystrophy 4, autosomal dominant (EDMD4). Also called: EMERY-DREIFUSS MUSCULAR DYSTROPHY 4 WITH VARIABLE FEATURES. Identifiers: Orphanet 261, MedGen C2751807, MONDO:0013071, OMIM 612998.
Autosomal recessive ataxia, Beauce type. Also called: Spinocerebellar ataxia, autosomal recessive 8; ATAXIA, RECESSIVE, OF BEAUCE; SYNE1-Related Autosomal Recessive Cerebellar Ataxia; SYNE1 Deficiency. Identifiers: Orphanet 88644, MedGen C1853116, MONDO:0012549, OMIM 610743.

Allele frequency attached by ClinVar (database versions not stated): gnomAD 0.00001; ExAC 0.00002; TOPMed 0.00002; gnomAD exomes 0.00003 and 0.00009; ESP Exome Variant Server 0.00008.
gnomAD v4.1: 137 of 1,603,240 alleles (0.0085%); highest among the groups gnomAD compares: Non-Finnish European, 0.011%; no homozygotes.

Submission:

Labcorp Genetics (formerly Invitae), Labcorp
Classification: Uncertain significance for Emery-Dreifuss muscular dystrophy 4, autosomal dominant; Autosomal recessive ataxia, Beauce type. Last evaluated: 2022-10-18. Review status: criteria provided, single submitter. Criteria: Invitae Variant Classification Sherloc (09022015). Collection method: clinical testing. Allele origin: germline.
Comment: This sequence change replaces asparagine, which is neutral and polar, with serine, which is neutral and polar, at codon 350 of the SYNE1 protein (p.Asn350Ser). This variant is present in population databases (rs372451128, gnomAD 0.007%). This variant has not been reported in the literature in individuals affected with SYNE1-related conditions. ClinVar contains an entry for this variant (Variation ID: 941921). Algorithms developed to predict the effect of missense changes on protein structure and function output the following: SIFT: "Tolerated"; PolyPhen-2: "Benign"; Align-GVGD: "Class C0". The serine amino acid residue is found in multiple mammalian species, which suggests that this missense change does not adversely affect protein function. In summary, the available evidence is currently insufficient to determine the role of this variant in disease. Therefore, it has been classified as a Variant of Uncertain Significance.

NM_182961.4(SYNE1):c.1028A>G (p.Asn343Ser)

Gene: SYNE1 (spectrin repeat containing nuclear envelope protein 1; minus strand). Cytogenetic location: 6q25.2.
Variant type: single nucleotide variant.
Coding change: c.1028A>G on transcript NM_182961.4 (MANE Select); coding-DNA position 1028, A replaced by G.
Protein change: p.Asn343Ser; replaces asparagine 343 with serine.
Molecular consequence: missense variant.
Genome position (GRCh38, 1-based): chr6:152,488,415, T>C on the plus strand (A>G on the coding strand, the complement: SYNE1 is on the minus strand). VCF-style: chr6-152488415-T-C. GRCh37 (hg19) VCF-style: chr6-152809550-T-C.
Other names: c.1049A>G, p.Asn350Ser (NM_033071.5); short protein forms N350S, N343S.
Identifiers: ClinVar variation 941921 (VCV000941921.7), dbSNP rs372451128, ClinGen allele CA4059540.